The following is an entry in ClinVar:

NM_000535.7(PMS2):c.283T>C (p.Phe95Leu)

Gene: PMS2 (PMS1 homolog 2, mismatch repair system component; minus strand). Cytogenetic location: 7p22.1.
Variant type: single nucleotide variant.
Coding change: c.283T>C on transcript NM_000535.7 (MANE Select); coding-DNA position 283, T replaced by C.
Protein change: p.Phe95Leu; replaces phenylalanine 95 with leucine.
Molecular consequence: missense variant. On other transcripts: 5 prime UTR variant (9), non-coding transcript variant (1), intron variant (2).
Genome position (GRCh38, 1-based): chr7:6,003,760, A>G on the plus strand (T>C on the coding strand, the complement: PMS2 is on the minus strand). VCF-style: chr7-6003760-A-G. GRCh37 (hg19) VCF-style: chr7-6043391-A-G.
Other names: c.-123T>C (NM_001322003.2, NM_001322004.2, NM_001322005.2 and 3 more transcripts); c.283T>C, p.Phe95Leu (NM_001322006.2, NM_001322014.2); c.-602T>C (NM_001322011.2, NM_001322012.2); c.-202T>C (NM_001322015.2); c.35+212T>C (NM_001322008.2, NM_001322007.2); short protein forms F95L.
Identifiers: ClinVar variation 496040 (VCV000496040.10), dbSNP rs1554304717, ClinGen allele CA366744662.

ClinVar aggregate classification (germline): Uncertain significance. Review status: criteria provided, multiple submitters, no conflicts (2 of 4 stars). 2 submissions from 2 submitters: Uncertain significance (2). Last evaluated 2020-05-13.

Conditions:
Hereditary nonpolyposis colorectal neoplasms. Identifiers: MedGen C0009405, MeSH D003123.

Submissions (2):

Labcorp Genetics (formerly Invitae), Labcorp
Classification: Uncertain significance for Hereditary nonpolyposis colorectal neoplasms. Last evaluated: 2020-05-13. Review status: criteria provided, single submitter. Criteria: Invitae Variant Classification Sherloc (09022015). Collection method: clinical testing. Allele origin: germline.
Comment: In summary, the available evidence is currently insufficient to determine the role of this variant in disease. Therefore, it has been classified as a Variant of Uncertain Significance. Algorithms developed to predict the effect of missense changes on protein structure and function are either unavailable or do not agree on the potential impact of this missense change (SIFT: "Deleterious"; PolyPhen-2: "Probably Damaging"; Align-GVGD: "Class C0"). This variant has not been reported in the literature in individuals with PMS2-related conditions. ClinVar contains an entry for this variant (Variation ID: 496040). This variant is not present in population databases (ExAC no frequency). This sequence change replaces phenylalanine with leucine at codon 95 of the PMS2 protein (p.Phe95Leu). The phenylalanine residue is highly conserved and there is a small physicochemical difference between phenylalanine and leucine.

Women's Health and Genetics/Laboratory Corporation of America, LabCorp
Classification: Uncertain significance. Last evaluated: 2017-02-09. Review status: criteria provided, single submitter. Criteria: LabCorp Variant Classification Summary - May 2015. Collection method: clinical testing. Allele origin: germline.
Comment: Variant summary: The PMS2 c.283T>C (p.Phe95Leu) variant involves the alteration of a conserved nucleotide. 3/4 in silico tools predict a damaging outcome for this substitution (SNPs&GO not captured due to low reliability index). This variant is absent in 114434 control chromosomes. The variant of interest has not, to our knowledge, been reported in affected individuals via publications and/or reputable databases/clinical diagnostic laboratories; nor evaluated for functional impact by in vivo/vitro studies. Because of the absence of clinical information and the lack of functional studies, the variant is classified as a variant of uncertain significance (VUS) until additional information becomes available.